The following is an entry in ClinVar:

NM_000059.4(BRCA2):c.712dup (p.Glu238fs)

Gene: BRCA2 (BRCA2 DNA repair associated; plus strand). Cytogenetic location: 13q13.1.
Variant type: Duplication.
Coding change: c.712dup on transcript NM_000059.4 (MANE Select); coding-DNA position 712, one base duplicated (G; older notation c.712dupG).
Protein change: p.Glu238fs; shifts the reading frame from glutamic acid 238.
Molecular consequence: frameshift variant.
Genome position (GRCh38, 1-based): chr13:32,330,949, G duplicated. VCF-style (leftmost placement, unchanged base first): chr13-32330948-T-TG. GRCh37 (hg19) VCF-style: chr13-32905085-T-TG.
Other names: c.712dupG (NM_000059.3); short protein forms E238fs.
Identifiers: ClinVar variation 660433 (VCV000660433.7), dbSNP rs1593890163, ClinGen allele CA915946948.

ClinVar aggregate classification (germline): Pathogenic (1 of 4 stars; one submission).

Conditions:
Hereditary breast ovarian cancer syndrome. Also called: BRCA1- and BRCA2-Associated Hereditary Breast and Ovarian Cancer; Hereditary breast and ovarian cancer syndrome; Hereditary breast and ovarian cancer syndrome (HBOC); Hereditary breast and/or ovarian cancer syndrome; Breast and ovarian cancer; Hereditary breast and ovarian cancer. Identifiers: Orphanet 145, MedGen C0677776, MeSH D061325, MONDO:0003582. Disease mechanism: loss of function.

Submission:

Labcorp Genetics (formerly Invitae), Labcorp
Classification: Pathogenic for Hereditary breast ovarian cancer syndrome. Last evaluated: 2018-11-19. Review status: criteria provided, single submitter. Criteria: Invitae Variant Classification Sherloc (09022015). Collection method: clinical testing. Allele origin: germline.
Comment: For these reasons, this variant has been classified as Pathogenic. Loss-of-function variants in BRCA2 are known to be pathogenic (PMID: 20104584). This variant has not been reported in the literature in individuals with BRCA2-related disease. This variant is not present in population databases (ExAC no frequency). This sequence change creates a premature translational stop signal (p.Glu238Glyfs*7) in the BRCA2 gene. It is expected to result in an absent or disrupted protein product.

Literature cited by the submitters: PubMed 20104584.